The following is an entry in ClinVar:

ClinVar aggregate classification (germline): Uncertain significance (1 of 4 stars; one submission).

Conditions:
Alacrima, achalasia, and impaired intellectual development syndrome. Also called: Alacrima, achalasia, and mental retardation syndrome; Alacrima, achalasia, and intellectual disability syndrome. Identifiers: Orphanet 869, MedGen C4706563, MONDO:0014219, OMIM 615510.

Submission:

Labcorp Genetics (formerly Invitae), Labcorp
Classification: Uncertain significance for Alacrima, achalasia, and impaired intellectual development syndrome. Last evaluated: 2024-06-01. Review status: criteria provided, single submitter. Criteria: Invitae Variant Classification Sherloc (09022015). Collection method: clinical testing. Allele origin: germline.
Comment: This sequence change replaces valine, which is neutral and non-polar, with leucine, which is neutral and non-polar, at codon 324 of the GMPPA protein (p.Val324Leu). This variant is not present in population databases (gnomAD no frequency). This variant has not been reported in the literature in individuals affected with GMPPA-related conditions. Advanced modeling of protein sequence and biophysical properties (such as structural, functional, and spatial information, amino acid conservation, physicochemical variation, residue mobility, and thermodynamic stability) performed at Invitae indicates that this missense variant is not expected to disrupt GMPPA protein function with a negative predictive value of 80%. In summary, the available evidence is currently insufficient to determine the role of this variant in disease. Therefore, it has been classified as a Variant of Uncertain Significance.

NM_013335.4(GMPPA):c.970G>C (p.Val324Leu)

Genes: ASIC4-AS1 (ASIC4 antisense RNA 1; minus strand), GMPPA (GDP-mannose pyrophosphorylase A; plus strand). Cytogenetic location: 2q35.
Variant type: single nucleotide variant.
Coding change: c.970G>C on transcript NM_013335.4 (MANE Select); coding-DNA position 970, G replaced by C.
Protein change: p.Val324Leu; replaces valine 324 with leucine.
Molecular consequence: missense variant.
Genome position (GRCh38, 1-based): chr2:219,506,049, G>C. VCF-style: chr2-219506049-G-C. GRCh37 (hg19) VCF-style: chr2-220370771-G-C.
Other names: c.970G>C, p.Val324Leu (NM_001374294.1, NM_001374295.1, NM_205847.3); short protein forms V324L.
Identifiers: ClinVar variation 3655148 (VCV003655148.2).